The following is an entry in ClinVar:

ClinVar aggregate classification (germline): Uncertain significance (1 of 4 stars; one submission).

Submission:

Labcorp Genetics (formerly Invitae), Labcorp
Classification: Uncertain significance. Last evaluated: 2026-01-14. Review status: criteria provided, single submitter. Criteria: Invitae Variant Classification Sherloc (09022015). Collection method: clinical testing. Allele origin: germline.
Comment: This sequence change replaces threonine, which is neutral and polar, with asparagine, which is neutral and polar, at codon 51 of the TUBA8 protein (p.Thr51Asn). This variant is present in population databases (rs752836043, gnomAD 0.0009%). This variant has not been reported in the literature in individuals affected with TUBA8-related conditions. Invitae Evidence Modeling of protein sequence and biophysical properties (such as structural, functional, and spatial information, amino acid conservation, physicochemical variation, residue mobility, and thermodynamic stability) indicates that this missense variant is expected to disrupt TUBA8 protein function with a positive predictive value of 80%. In summary, the available evidence is currently insufficient to determine the role of this variant in disease. Therefore, it has been classified as a Variant of Uncertain Significance.

NM_018943.3(TUBA8):c.152C>A (p.Thr51Asn)

Gene: TUBA8 (tubulin alpha 8; plus strand). Cytogenetic location: 22q11.21.
Variant type: single nucleotide variant.
Coding change: c.152C>A on transcript NM_018943.3 (MANE Select); coding-DNA position 152, C replaced by A.
Protein change: p.Thr51Asn; replaces threonine 51 with asparagine.
Molecular consequence: missense variant. On other transcripts: 5 prime UTR variant (1).
Genome position (GRCh38, 1-based): chr22:18,121,627, C>A. VCF-style: chr22-18121627-C-A. GRCh37 (hg19) VCF-style: chr22-18604394-C-A.
Other names: c.-47C>A (NM_001193414.2); short protein forms T51N.
Identifiers: ClinVar variation 4740923 (VCV004740923.1).
Genomic context (GRCh38, chr22:18,121,627, plus strand): 5'-AGGCAGACGGCACTTTTGATGCTCAAGCTAGCAAGATCAACGATGATGACTCCTTCACCA[C>A]CTTTTTCAGCGAGACTGGCAATGGGAAGCATGTGCCCCGGGCCGTCATGATAGATCTGGA-3'
Protein context (NP_061816.1, residues 41-61): SKINDDDSFT[Thr51Asn]FFSETGNGKH